The following is an entry in ClinVar:

NM_004656.4(BAP1):c.65T>G (p.Phe22Cys)

Gene: BAP1 (BRCA1 associated deubiquitinase 1; minus strand). Cytogenetic location: 3p21.1.
Variant type: single nucleotide variant.
Coding change: c.65T>G on transcript NM_004656.4 (MANE Select); coding-DNA position 65, T replaced by G.
Protein change: p.Phe22Cys; replaces phenylalanine 22 with cysteine.
Molecular consequence: missense variant.
Genome position (GRCh38, 1-based): chr3:52,409,716, A>C on the plus strand (T>G on the coding strand, the complement: BAP1 is on the minus strand). VCF-style: chr3-52409716-A-C. GRCh37 (hg19) VCF-style: chr3-52443732-A-C.
Other names: c.65T>G, p.Phe22Cys (NM_001410772.1); short protein forms F22C.
Identifiers: ClinVar variation 4194549 (VCV004194549.1).

ClinVar aggregate classification (germline): Uncertain significance (1 of 4 stars; one submission).

Conditions:
Hereditary cancer-predisposing syndrome. Also called: Neoplastic Syndromes, Hereditary; Tumor predisposition; Hereditary Cancer Syndrome; Hereditary neoplastic syndrome. Identifiers: Orphanet 140162, MedGen C0027672, MeSH D009386, MONDO:0015356.

Submission:

Ambry Genetics
Classification: Uncertain significance for Hereditary cancer-predisposing syndrome. Last evaluated: 2025-07-03. Review status: criteria provided, single submitter. Criteria: Ambry Variant Classification Scheme 2023. Collection method: clinical testing. Allele origin: germline.
Comment: The p.F22C variant (also known as c.65T>G), located in coding exon 2 of the BAP1 gene, results from a T to G substitution at nucleotide position 65. The phenylalanine at codon 22 is replaced by cysteine, an amino acid with highly dissimilar properties. This amino acid position is conserved. In addition, this alteration is predicted to be deleterious by in silico analysis. Based on the available evidence, the clinical significance of this variant remains unclear.